The following is an entry in ClinVar:

NM_002055.5(GFAP):c.1236C>T (p.Thr412=)

Gene: GFAP (glial fibrillary acidic protein; minus strand). Cytogenetic location: 17q21.31.
Variant type: single nucleotide variant.
Coding change: c.1236C>T on transcript NM_002055.5 (MANE Select); coding-DNA position 1236, C replaced by T.
Protein change: p.Thr412=; no amino-acid change (threonine 412 retained).
Molecular consequence: synonymous variant.
Genome position (GRCh38, 1-based): chr17:44,908,085, G>A on the plus strand (C>T on the coding strand, the complement: GFAP is on the minus strand). VCF-style: chr17-44908085-G-A. GRCh37 (hg19) VCF-style: chr17-42985453-G-A.
Other names: c.1356C>T, p.Thr452= (NM_001363846.2).
Identifiers: ClinVar variation 2498706 (VCV002498706.28), dbSNP rs146298944, ClinGen allele CA291024766.

ClinVar aggregate classification (germline): Likely benign (1 of 4 stars; one submission).

gnomAD v4.1: 20 of 1,607,900 alleles (0.0012%); highest among the groups gnomAD compares: African/African-American, 0.0067%; no homozygotes.

Submission:

CeGaT Center for Human Genetics Tuebingen
Classification: Likely benign. Last evaluated: 2023-02-01. Review status: criteria provided, single submitter. Criteria: CeGaT Center For Human Genetics Tuebingen Variant Classification Criteria Version 2. Collection method: clinical testing. Allele origin: germline. Affected: yes. Observed: 1 variant allele.
Comment: GFAP: BP4, BP7